The following is an entry in ClinVar:

ClinVar aggregate classification (germline): Uncertain significance (1 of 4 stars; one submission).

Submission:

Labcorp Genetics (formerly Invitae), Labcorp
Classification: Uncertain significance. Last evaluated: 2025-02-17. Review status: criteria provided, single submitter. Criteria: Invitae Variant Classification Sherloc (09022015). Collection method: clinical testing. Allele origin: germline.
Comment: This sequence change replaces isoleucine, which is neutral and non-polar, with valine, which is neutral and non-polar, at codon 111 of the DNM1L protein (p.Ile111Val). This variant is not present in population databases (gnomAD no frequency). This variant has not been reported in the literature in individuals affected with DNM1L-related conditions. An algorithm developed to predict the effect of missense changes on protein structure and function (PolyPhen-2) suggests that this variant is likely to be disruptive. In summary, the available evidence is currently insufficient to determine the role of this variant in disease. Therefore, it has been classified as a Variant of Uncertain Significance.

NM_012062.5(DNM1L):c.331A>G (p.Ile111Val)

Gene: DNM1L (dynamin 1 like; plus strand). Cytogenetic location: 12p11.21.
Variant type: single nucleotide variant.
Coding change: c.331A>G on transcript NM_012062.5 (MANE Select); coding-DNA position 331, A replaced by G.
Protein change: p.Ile111Val; replaces isoleucine 111 with valine.
Molecular consequence: missense variant. On other transcripts: intron variant (1).
Genome position (GRCh38, 1-based): chr12:32,708,186, A>G. VCF-style: chr12-32708186-A-G. GRCh37 (hg19) VCF-style: chr12-32861120-A-G.
Other names: c.331A>G, p.Ile111Val (NM_001278463.2, NM_005690.5, NM_012063.4); c.370A>G, p.Ile124Val (NM_001278464.2, NM_001278465.2, NM_001330380.2); c.131+773A>G (NM_001278466.2); short protein forms I111V, I124V.
Identifiers: ClinVar variation 4798343 (VCV004798343.1).